The following is an entry in ClinVar:

ClinVar aggregate classification (germline): Likely benign. Review status: criteria provided, multiple submitters, no conflicts (2 of 4 stars). 2 submissions from 2 submitters: Likely benign (2). Last evaluated 2025-05-12.

Conditions:
KLHL7-related disorder. Also called: KLHL7-related disorders; KLHL7-related condition.

Allele frequency attached by ClinVar (database versions not stated): gnomAD exomes 0.00001 and 0.00002; ExAC 0.00002; TOPMed 0.00002; gnomAD 0.00005; 1000 Genomes Project 0.00020; 1000 Genomes Project 30x 0.00031.
gnomAD v4.1: 19 of 1,613,996 alleles (0.0012%); highest among the groups gnomAD compares: Admixed American, 0.01%; no homozygotes.

Submissions (2):

PreventionGenetics, part of Exact Sciences
Classification: Likely benign for KLHL7-related condition. Last evaluated: 2025-05-12. Review status: criteria provided, single submitter. Criteria: ACMG Guidelines, 2015. Collection method: clinical testing. Allele origin: germline.
Comment: This variant is classified as likely benign based on ACMG/AMP sequence variant interpretation guidelines (Richards et al. 2015 PMID: 25741868, with internal and published modifications).

Labcorp Genetics (formerly Invitae), Labcorp
Classification: Likely benign. Last evaluated: 2025-04-16. Review status: criteria provided, single submitter. Criteria: Invitae Variant Classification Sherloc (09022015). Collection method: clinical testing. Allele origin: germline.

NM_001031710.3(KLHL7):c.1722C>T (p.Val574=)

Gene: KLHL7 (kelch like family member 7; plus strand). Cytogenetic location: 7p15.3.
Variant type: single nucleotide variant.
Coding change: c.1722C>T on transcript NM_001031710.3 (MANE Select); coding-DNA position 1722, C replaced by T.
Protein change: p.Val574=; no amino-acid change (valine 574 retained).
Molecular consequence: synonymous variant. On other transcripts: non-coding transcript variant (1).
Genome position (GRCh38, 1-based): chr7:23,174,259, C>T. VCF-style: chr7-23174259-C-T. GRCh37 (hg19) VCF-style: chr7-23213878-C-T.
Other names: c.1578C>T, p.Val526= (NM_018846.5); c.1722C>T (NM_001031710.2).
Identifiers: ClinVar variation 1674259 (VCV001674259.9), dbSNP rs529150741, ClinGen allele CA4186668.